The following is an entry in ClinVar:

NM_001127511.3(APC):c.165+29215A>G

Gene: APC (APC regulator of Wnt signaling pathway; plus strand). Cytogenetic location: 5q22.2.
Variant type: single nucleotide variant.
Coding change: c.165+29215A>G on transcript NM_001127511.3; 29215 bases into the intron after coding-DNA position 165, A replaced by G.
Molecular consequence: intron variant.
Genome position (GRCh38, 1-based): chr5:112,737,097, A>G. VCF-style: chr5-112737097-A-G. GRCh37 (hg19) VCF-style: chr5-112072794-A-G.
Other names: c.-1053-17776A>G (NM_001407470.1, NM_001407472.1); c.-18-17776A>G (NM_001407447.1, NM_001354895.2, NM_001407456.1 and 7 more transcripts); c.165+29215A>G (NM_001407446.1, NM_001354897.2, NM_001354902.2); c.-42-29229A>G (NM_001407453.1).
Identifiers: ClinVar variation 3051578 (VCV003051578.2), dbSNP rs1412966949, ClinGen allele CA561895648.

ClinVar aggregate classification (germline): Likely benign (0 of 4 stars; one submission).

Conditions:
APC-related disorder. Also called: APC-related condition.

Allele frequency attached by ClinVar (database versions not stated): gnomAD 0.00003; 1000 Genomes Project 30x 0.00016.
gnomAD v4.1: 4 of 152,316 alleles (0.0026%); highest among the groups gnomAD compares: Admixed American, 0.013%; no homozygotes.

Submission:

PreventionGenetics, part of Exact Sciences
Classification: Likely benign for APC-related condition. Last evaluated: 2023-12-15. Review status: no assertion criteria provided. Collection method: clinical testing. Allele origin: germline.
Comment: This variant is classified as likely benign based on ACMG/AMP sequence variant interpretation guidelines (Richards et al. 2015 PMID: 25741868, with internal and published modifications).